The following is an entry in ClinVar:

ClinVar aggregate classification (germline): Uncertain significance (1 of 4 stars; one submission).

Submission:

Labcorp Genetics (formerly Invitae), Labcorp
Classification: Uncertain significance. Last evaluated: 2021-06-08. Review status: criteria provided, single submitter. Criteria: Invitae Variant Classification Sherloc (09022015). Collection method: clinical testing. Allele origin: germline.
Comment: In summary, the available evidence is currently insufficient to determine the role of this variant in disease. Therefore, it has been classified as a Variant of Uncertain Significance. Advanced modeling of protein sequence and biophysical properties (such as structural, functional, and spatial information, amino acid conservation, physicochemical variation, residue mobility, and thermodynamic stability) performed at Invitae indicates that this missense variant is expected to disrupt HNF1A protein function. This variant has not been reported in the literature in individuals with HNF1A-related conditions. This variant is not present in population databases (ExAC no frequency). This sequence change replaces alanine with glutamic acid at codon 97 of the HNF1A protein (p.Ala97Glu). The alanine residue is highly conserved and there is a moderate physicochemical difference between alanine and glutamic acid.

NM_000545.8(HNF1A):c.290C>A (p.Ala97Glu)

Gene: HNF1A (HNF1 homeobox A; plus strand). Cytogenetic location: 12q24.31.
Variant type: single nucleotide variant.
Coding change: c.290C>A on transcript NM_000545.8 (MANE Select); coding-DNA position 290, C replaced by A.
Protein change: p.Ala97Glu; replaces alanine 97 with glutamic acid.
Molecular consequence: missense variant.
Genome position (GRCh38, 1-based): chr12:120,979,058, C>A. VCF-style: chr12-120979058-C-A. GRCh37 (hg19) VCF-style: chr12-121416861-C-A.
Other names: c.290C>A, p.Ala97Glu (NM_001306179.2); short protein forms A97E.
Identifiers: ClinVar variation 1400340 (VCV001400340.8), dbSNP rs374794304, ClinGen allele CA386954529.